The following is an entry in ClinVar:

ClinVar aggregate classification (germline): Uncertain significance. Review status: criteria provided, multiple submitters, no conflicts (2 of 4 stars). 5 submissions from 5 submitters: Uncertain significance (5). Last evaluated 2025-12-24.

Conditions:
King Denborough syndrome (KDS). Identifiers: MedGen C1840365, MONDO:0020485, OMIM 619542.
Congenital myopathy with fiber type disproportion. Also called: Congenital fiber-type disproportion myopathy; Congenital fiber-type disproportion. Identifiers: Orphanet 2020, MedGen C0546264, MONDO:0009711. Inheritance: all.
Central core myopathy (CMYO1A). Also called: Central core disease; Myopathy, central fibrillar; CONGENITAL MYOPATHY 1A, AUTOSOMAL DOMINANT, WITH SUSCEPTIBILITY TO MALIGNANT HYPERTHERMIA. Identifiers: Orphanet 597, MedGen C5830701, MONDO:0007294, OMIM 117000.
Malignant hyperthermia, susceptibility to, 1 (MHS1). Also called: Anesthesia related hyperthermia; Malignant hyperpyrexia; Fulminating hyperpyrexia; Pharmacogenic myopathy; Malignant hyperthermia suceptibility 1; RYR1-Related Malignant Hyperthermia Susceptibility. Identifiers: Orphanet 423, MedGen C2930980, MONDO:0007783, OMIM 145600.
Congenital multicore myopathy with external ophthalmoplegia (CMYO1B). Also called: Minicore myopathy with external ophthalmoplegia; MULTICORE MYOPATHY; Congenital myopathy 1B, autosomal recessive; Minicore myopathy; MULTIMINICORE DISEASE WITH EXTERNAL OPHTHALMOPLEGIA. Identifiers: Orphanet 598, Orphanet 98905, MedGen C1850674, MONDO:0009712, OMIM 255320, HP:0003789.
RYR1-related disorder. Also called: RYR1-related condition; RYR1-related disorders. Identifiers: MedGen CN239331.

gnomAD v4.1: 10 of 1,613,756 alleles (0.00062%); highest among the groups gnomAD compares: Admixed American, 0.017%; no homozygotes.

Submissions (5):

Labcorp Genetics (formerly Invitae), Labcorp
Classification: Uncertain significance for RYR1-related disorder. Last evaluated: 2025-12-24. Review status: criteria provided, single submitter. Criteria: Invitae Variant Classification Sherloc (09022015). Collection method: clinical testing. Allele origin: germline.
Comment: This sequence change replaces glycine, which is neutral and non-polar, with alanine, which is neutral and non-polar, at codon 4543 of the RYR1 protein (p.Gly4543Ala). This variant is present in population databases (rs200002274, gnomAD 0.02%). This missense change has been observed in individual(s) with RYR1-related conditions (PMID: 32236737). ClinVar contains an entry for this variant (Variation ID: 478186). Invitae Evidence Modeling of protein sequence and biophysical properties (such as structural, functional, and spatial information, amino acid conservation, physicochemical variation, residue mobility, and thermodynamic stability) indicates that this missense variant is not expected to disrupt RYR1 protein function with a negative predictive value of 80%. In summary, the available evidence is currently insufficient to determine the role of this variant in disease. Therefore, it has been classified as a Variant of Uncertain Significance.

All of Us Research Program, National Institutes of Health
Classification: Uncertain significance for Malignant hyperthermia, susceptibility to, 1. Last evaluated: 2023-12-06. Review status: criteria provided, single submitter. Criteria: ACMG Guidelines, 2015. Collection method: clinical testing. Allele origin: germline. Inheritance: Autosomal dominant inheritance. Observed: 1 variant allele, 1 heterozygote.
Comment: This study involves interpretation of variants in research participants for the purpose of population health screening. Participant phenotype was not available at the time of variant classification. Additional details can be found in publication PMID: 35346344, PMCID: PMC8962531

GeneDx
Classification: Uncertain significance. Last evaluated: 2022-10-17. Review status: criteria provided, single submitter. Criteria: GeneDx Variant Classification Process June 2021. Collection method: clinical testing. Allele origin: germline. Affected: yes.
Comment: In silico analysis supports that this missense variant does not alter protein structure/function; Has not been previously published as pathogenic or benign to our knowledge

Fulgent Genetics
Classification: Uncertain significance for Central core myopathy; Malignant hyperthermia, susceptibility to, 1; Congenital myopathy 4A, autosomal dominant; Congenital multicore myopathy with external ophthalmoplegia; King Denborough syndrome. Last evaluated: 2021-09-10. Review status: criteria provided, single submitter. Criteria: ACMG Guidelines, 2015. Collection method: clinical testing. Allele origin: unknown.

PreventionGenetics, part of Exact Sciences
Classification: Uncertain significance. Last evaluated: 2015-07-08. Review status: criteria provided, single submitter. Criteria: ACMG Guidelines, 2015. Collection method: clinical testing. Allele origin: germline.

Literature cited by the submitters: PubMed 32236737 (cited by Labcorp Genetics (formerly Invitae), Labcorp).

NM_000540.3(RYR1):c.13628G>C (p.Gly4543Ala)

Gene: RYR1 (ryanodine receptor 1; plus strand). Cytogenetic location: 19q13.2.
Variant type: single nucleotide variant.
Coding change: c.13628G>C on transcript NM_000540.3 (MANE Select); coding-DNA position 13628, G replaced by C.
Protein change: p.Gly4543Ala; replaces glycine 4543 with alanine.
Molecular consequence: missense variant.
Genome position (GRCh38, 1-based): chr19:38,567,886, G>C. VCF-style: chr19-38567886-G-C. GRCh37 (hg19) VCF-style: chr19-39058526-G-C.
Other names: c.13613G>C, p.Gly4538Ala (NM_001042723.2); short protein forms G4543A, G4538A.
Identifiers: ClinVar variation 478186 (VCV000478186.12), dbSNP rs200002274, ClinGen allele CA060249.
Genomic context (GRCh38, chr19:38,567,886, plus strand): 5'-AGAAGCAAGCACCTCCCTCACCCCCTCCAAAGAAGGAGGAAGCTGGAGGCGAATTCTGGG[G>C]AGAACTGGAGGTGCAGAGGGTGAAGTTCCTGGTAAGGATCCAGCCAGGTCACCTGAACCT-3'
Protein context (NP_000531.2, residues 4533-4553): KKEEAGGEFW[Gly4543Ala]ELEVQRVKFL